The following is an entry in ClinVar:

NM_080680.3(COL11A2):c.798+67C>T

Gene: COL11A2 (collagen type XI alpha 2 chain; minus strand). Cytogenetic location: 6p21.32.
Variant type: single nucleotide variant.
Coding change: c.798+67C>T on transcript NM_080680.3 (MANE Select); 67 bases into the intron after coding-DNA position 798, C replaced by T.
Molecular consequence: intron variant. On other transcripts: missense variant (1).
Genome position (GRCh38, 1-based): chr6:33,186,560, G>A on the plus strand (C>T on the coding strand, the complement: COL11A2 is on the minus strand). VCF-style: chr6-33186560-G-A. GRCh37 (hg19) VCF-style: chr6-33154337-G-A.
Other names: c.865C>T, p.Pro289Ser (NM_001163771.2); c.798+67C>T (NM_080679.3, NM_080681.3); short protein forms P289S.
Identifiers: ClinVar variation 424385 (VCV000424385.8), dbSNP rs772701006, ClinGen allele CA3751572.

ClinVar aggregate classification (germline): Uncertain significance (1 of 4 stars; one submission).

Conditions:
Otospondylomegaepiphyseal dysplasia, autosomal dominant (OSMEDA). Also called: Pierre Robin syndrome with fetal chondrodysplasia; Stickler syndrome, type 3; COL11A2-Related Stickler Syndrome. Identifiers: Orphanet 166100, Orphanet 3450, MedGen C1848488, MONDO:0008490, OMIM 184840.
Fibrochondrogenesis 2 (FBCG2). Identifiers: Orphanet 2021, MedGen C3281128, MONDO:0013795, OMIM 614524.
Otospondylomegaepiphyseal dysplasia, autosomal recessive (OSMEDB). Also called: CHONDRODYSTROPHY WITH SENSORINEURAL DEAFNESS; Insley-Astley syndrome. Identifiers: Orphanet 1427, MedGen CN034493, MONDO:0044206, OMIM 215150.
Genetic hearing loss. Also called: Hereditary hearing loss; Hereditary hearing disorder. Identifiers: MedGen C0236038.
Autosomal recessive nonsyndromic hearing loss 53. Identifiers: Orphanet 90636, MedGen C1864746, MONDO:0012333, OMIM 609706.
Autosomal dominant nonsyndromic hearing loss 13. Identifiers: Orphanet 90635, MedGen C1866095, MONDO:0011159, OMIM 601868.

Allele frequency attached by ClinVar (database versions not stated): gnomAD exomes below 0.00001; TOPMed below 0.00001; ExAC 0.00001; gnomAD 0.00001.
gnomAD v4.1: 7 of 1,613,060 alleles (0.00043%); highest among the groups gnomAD compares: Non-Finnish European, 0.00059%; no homozygotes.

Submission:

GeneDx
Classification: Uncertain significance. Last evaluated: 2021-12-10. Review status: criteria provided, single submitter. Criteria: GeneDx Variant Classification Process June 2021. Collection method: clinical testing. Allele origin: germline. Affected: yes.
Comment: In silico analysis, which includes protein predictors and evolutionary conservation, supports that this variant does not alter protein structure/function; Has not been previously published as pathogenic or benign to our knowledge